The following is an entry in ClinVar:

NM_000334.4(SCN4A):c.2869C>T (p.Leu957Phe)

Genes: SCN4A (sodium voltage-gated channel alpha subunit 4; minus strand), GH-LCR (growth hormone locus control region; plus strand). Cytogenetic location: 17q23.3.
Variant type: single nucleotide variant.
Coding change: c.2869C>T on transcript NM_000334.4 (MANE Select); coding-DNA position 2869, C replaced by T.
Protein change: p.Leu957Phe; replaces leucine 957 with phenylalanine.
Molecular consequence: missense variant.
Genome position (GRCh38, 1-based): chr17:63,949,513, G>A on the plus strand (C>T on the coding strand, the complement: SCN4A is on the minus strand). VCF-style: chr17-63949513-G-A. GRCh37 (hg19) VCF-style: chr17-62026873-G-A.
Other names: short protein forms L957F.
Identifiers: ClinVar variation 2197485 (VCV002197485.4), dbSNP rs2509297287, ClinGen allele CA400622735.

ClinVar aggregate classification (germline): Uncertain significance (1 of 4 stars; one submission).

Conditions:
Hyperkalemic periodic paralysis. Also called: Familial hyperkalemic periodic paralysis; Gamstorp disease. Identifiers: Orphanet 682, MedGen C0238357, MONDO:0008224, OMIM 170500, HP:0007215.

Allele frequency attached by ClinVar (database versions not stated): gnomAD exomes below 0.00001.

Submission:

Labcorp Genetics (formerly Invitae), Labcorp
Classification: Uncertain significance for Hyperkalemic periodic paralysis. Last evaluated: 2021-11-29. Review status: criteria provided, single submitter. Criteria: Invitae Variant Classification Sherloc (09022015). Collection method: clinical testing. Allele origin: germline.
Comment: This sequence change replaces leucine, which is neutral and non-polar, with phenylalanine, which is neutral and non-polar, at codon 957 of the SCN4A protein (p.Leu957Phe). This variant is not present in population databases (gnomAD no frequency). This variant has not been reported in the literature in individuals affected with SCN4A-related conditions. Algorithms developed to predict the effect of missense changes on protein structure and function are either unavailable or do not agree on the potential impact of this missense change (SIFT: "Deleterious"; PolyPhen-2: "Benign"; Align-GVGD: "Class C0"). In summary, the available evidence is currently insufficient to determine the role of this variant in disease. Therefore, it has been classified as a Variant of Uncertain Significance.